The following is an entry in ClinVar:

NM_001127198.5(TMC6):c.2230C>T (p.Arg744Trp)

Gene: TMC6 (transmembrane channel like 6; minus strand). Cytogenetic location: 17q25.3.
Variant type: single nucleotide variant.
Coding change: c.2230C>T on transcript NM_001127198.5 (MANE Select); coding-DNA position 2230, C replaced by T.
Protein change: p.Arg744Trp; replaces arginine 744 with tryptophan.
Molecular consequence: missense variant.
Genome position (GRCh38, 1-based): chr17:78,117,316, G>A on the plus strand (C>T on the coding strand, the complement: TMC6 is on the minus strand). VCF-style: chr17-78117316-G-A. GRCh37 (hg19) VCF-style: chr17-76113397-G-A.
Other names: c.2230C>T, p.Arg744Trp (NM_001321185.1, NM_001374596.1, NM_001375353.1 and 2 more transcripts); c.2050C>T, p.Arg684Trp (NM_001374593.1, NM_001374594.1); c.2230C>T (NM_007267.6); short protein forms R684W, R744W.
Identifiers: ClinVar variation 1039331 (VCV001039331.6), dbSNP rs564531122, ClinGen allele CA8795371.
Genomic context (GRCh38, chr17:78,117,316, plus strand): 5'-GAGGGGCACTCACATTGCTGATCTGCTCCTTGAGCAGGCAGATGACCTTGCGCTGGCCCC[G>A]CACCACCTGGATGTTGAGGTAGATCACGGCCCTGCGGGAGAGGGGCTGTCGGGCAGGGCC-3'
Protein context (NP_001120670.1, residues 734-754): AVIYLNIQVV[Arg744Trp]GQRKVICLLK

ClinVar aggregate classification (germline): Uncertain significance. Review status: criteria provided, multiple submitters, no conflicts (2 of 4 stars). 2 submissions from 2 submitters: Uncertain significance (2). Last evaluated 2025-05-18.

Conditions:
Epidermodysplasia verruciformis. Identifiers: Orphanet 302, MedGen C0014522, MONDO:0009176.
Inborn genetic diseases. Identifiers: MedGen C0950123, MeSH D030342.

Allele frequency attached by ClinVar (database versions not stated): 1000 Genomes Project 0.00020; gnomAD exomes 0.00005 and 0.00008; ExAC 0.00007; 1000 Genomes Project 30x 0.00016; gnomAD 0.00019 and 0.00017; TOPMed 0.00012.
gnomAD v4.1: 96 of 1,613,366 alleles (0.006%); highest among the groups gnomAD compares: African/African-American, 0.028%; no homozygotes.

Submissions (2):

Ambry Genetics
Classification: Uncertain significance for Inborn genetic diseases. Last evaluated: 2025-05-18. Review status: criteria provided, single submitter. Criteria: Ambry Variant Classification Scheme 2023. Collection method: clinical testing. Allele origin: germline.

Labcorp Genetics (formerly Invitae), Labcorp
Classification: Uncertain significance for Epidermodysplasia verruciformis. Last evaluated: 2022-09-01. Review status: criteria provided, single submitter. Criteria: Invitae Variant Classification Sherloc (09022015). Collection method: clinical testing. Allele origin: germline.
Comment: This sequence change replaces arginine, which is basic and polar, with tryptophan, which is neutral and slightly polar, at codon 744 of the TMC6 protein (p.Arg744Trp). This variant is present in population databases (rs564531122, gnomAD 0.03%). This variant has not been reported in the literature in individuals affected with TMC6-related conditions. ClinVar contains an entry for this variant (Variation ID: 1039331). Algorithms developed to predict the effect of missense changes on protein structure and function are either unavailable or do not agree on the potential impact of this missense change (SIFT: "Not Available"; PolyPhen-2: "Possibly Damaging"; Align-GVGD: "Not Available"). In summary, the available evidence is currently insufficient to determine the role of this variant in disease. Therefore, it has been classified as a Variant of Uncertain Significance.